The following is an entry in ClinVar:

ClinVar aggregate classification (germline): Uncertain significance (1 of 4 stars; one submission).

Allele frequency attached by ClinVar (database versions not stated): TOPMed below 0.00001.

Submission:

Labcorp Genetics (formerly Invitae), Labcorp
Classification: Uncertain significance. Last evaluated: 2022-08-23. Review status: criteria provided, single submitter. Criteria: Invitae Variant Classification Sherloc (09022015). Collection method: clinical testing. Allele origin: germline.
Comment: In summary, the available evidence is currently insufficient to determine the role of this variant in disease. Therefore, it has been classified as a Variant of Uncertain Significance. Algorithms developed to predict the effect of missense changes on protein structure and function (SIFT, PolyPhen-2, Align-GVGD) all suggest that this variant is likely to be disruptive. This variant has not been reported in the literature in individuals affected with RSPO2-related conditions. This variant is not present in population databases (gnomAD no frequency). This sequence change replaces glycine, which is neutral and non-polar, with serine, which is neutral and polar, at codon 122 of the RSPO2 protein (p.Gly122Ser).

NM_178565.5(RSPO2):c.364G>A (p.Gly122Ser)

Gene: RSPO2 (R-spondin 2; minus strand). Cytogenetic location: 8q23.1.
Variant type: single nucleotide variant.
Coding change: c.364G>A on transcript NM_178565.5 (MANE Select); coding-DNA position 364, G replaced by A.
Protein change: p.Gly122Ser; replaces glycine 122 with serine.
Molecular consequence: missense variant.
Genome position (GRCh38, 1-based): chr8:107,960,737, C>T on the plus strand (G>A on the coding strand, the complement: RSPO2 is on the minus strand). VCF-style: chr8-107960737-C-T. GRCh37 (hg19) VCF-style: chr8-108972965-C-T.
Other names: c.175G>A, p.Gly59Ser (NM_001282863.2); c.163G>A, p.Gly55Ser (NM_001317942.2); short protein forms G122S, G59S, G55S.
Identifiers: ClinVar variation 2051177 (VCV002051177.4), dbSNP rs867580351, ClinGen allele CA183529420.
Genomic context (GRCh38, chr8:107,960,737, plus strand): 5'-CACATTCCATGGTTTCTTCTAATGGTGCAAAACCATCTGGACATTCATCAAAGCAACGGC[C>T]TCTATGCAAATAAAAGCCTACTTTGCACTTGGTACAAAAGTCTTTGCTAAAGCAAGAATC-3'
Protein context (NP_848660.3, residues 112-132): KCKVGFYLHR[Gly122Ser]RCFDECPDGF